The following is an entry in ClinVar:

NM_001080453.3(INTS1):c.72A>C (p.Pro24=)

Gene: INTS1 (integrator complex subunit 1; minus strand). Cytogenetic location: 7p22.3.
Variant type: single nucleotide variant.
Coding change: c.72A>C on transcript NM_001080453.3 (MANE Select); coding-DNA position 72, A replaced by C.
Protein change: p.Pro24=; no amino-acid change (proline 24 retained).
Molecular consequence: synonymous variant.
Genome position (GRCh38, 1-based): chr7:1,503,178, T>G on the plus strand (A>C on the coding strand, the complement: INTS1 is on the minus strand). VCF-style: chr7-1503178-T-G. GRCh37 (hg19) VCF-style: chr7-1542814-T-G.
Identifiers: ClinVar variation 3045878 (VCV003045878.3), dbSNP rs3752715, ClinGen allele CA4120923.

ClinVar aggregate classification (germline): Likely benign. Review status: criteria provided, single submitter (1 of 4 stars). 2 submissions from 2 submitters: Likely benign (1). 1 of the submissions does not count toward it. Last evaluated 2024-11-08.

Conditions:
INTS1-related disorder. Also called: INTS1-related condition.

Allele frequency attached by ClinVar (database versions not stated): 1000 Genomes Project 0.00140; 1000 Genomes Project 30x 0.00141.
gnomAD v4.1: 300 of 1,534,254 alleles (0.02%); highest among the groups gnomAD compares: East Asian, 0.63%; no homozygotes.

Submissions (2):

Blueprint Genetics
Classification: Likely benign. Last evaluated: 2024-11-08. Review status: criteria provided, single submitter. Criteria: ACMG Guidelines, 2015. Collection method: clinical testing. Allele origin: germline.

PreventionGenetics, part of Exact Sciences
Classification: Benign for INTS1-related condition. Last evaluated: 2019-12-13. Review status: no assertion criteria provided. Collection method: clinical testing. Allele origin: germline. Not counted in ClinVar's aggregate classification.
Comment: This variant is classified as benign based on ACMG/AMP sequence variant interpretation guidelines (Richards et al. 2015 PMID: 25741868, with internal and published modifications).